The following is an entry in ClinVar:

ClinVar aggregate classification (germline): Pathogenic (1 of 4 stars; one submission).

Submission:

CeGaT Center for Human Genetics Tuebingen
Classification: Pathogenic. Last evaluated: 2022-05-01. Review status: criteria provided, single submitter. Criteria: CeGaT Center For Human Genetics Tuebingen Variant Classification Criteria Version 2. Collection method: clinical testing. Allele origin: germline. Affected: yes. Observed: 1 variant allele.
Comment: PUF60: PS2, PVS1:Strong, PM2

NM_078480.3(PUF60):c.51del (p.Ser18fs)

Gene: PUF60 (poly(U) binding splicing factor 60; minus strand). Cytogenetic location: 8q24.3.
Variant type: Deletion.
Coding change: c.51del on transcript NM_078480.3 (MANE Select); coding-DNA position 51, one base deleted (G; older notation c.51delG).
Protein change: p.Ser18fs; shifts the reading frame from serine 18.
Molecular consequence: frameshift variant. On other transcripts: 5 prime UTR variant (2), genic upstream transcript variant (2).
Genome position (GRCh38, 1-based): chr8:143,824,373, C deleted on the plus strand (G on the coding strand, the reverse complement: PUF60 is on the minus strand); the first of 6 consecutive C bases (chr8:143,824,373-143,824,378); deleting any one gives the same sequence. VCF-style (leftmost placement, unchanged base first): chr8-143824372-AC-A. GRCh37 (hg19) VCF-style: chr8-144906542-AC-A.
Other names: c.48del, p.Ser17fs (NM_001271098.2, NM_001271096.2); c.-79del (NM_001271100.2, NM_001136033.3); c.162del, p.Ser55fs (NM_001362895.2, NM_001362896.2, NM_001362897.2); c.51del, p.Ser18fs (NM_014281.5); c.25-2460del (NM_001271097.2, NM_001271099.2); short protein forms S17fs, S18fs, S55fs.
Identifiers: ClinVar variation 1695240 (VCV001695240.31), dbSNP rs1563839312, ClinGen allele CA2580078631.